The following is an entry in ClinVar:

ClinVar aggregate classification (germline): Uncertain significance (1 of 4 stars; one submission).

Conditions:
Charcot-Marie-Tooth disease axonal type 2O. Also called: Charcot-Marie-Tooth Neuropathy Type 2O; CHARCOT-MARIE-TOOTH NEUROPATHY, AXONAL, TYPE 2O; CHARCOT-MARIE-TOOTH DISEASE, AXONAL, AUTOSOMAL DOMINANT, TYPE 2O; Charcot-Marie-Tooth disease, axonal, type 20. Identifiers: Orphanet 284232, MedGen C3280220, MONDO:0013644, OMIM 614228.

gnomAD v4.1: 2 of 1,614,202 alleles (0.00012%); highest among the groups gnomAD compares: Non-Finnish European, 0.00017%; no homozygotes.

Submission:

Labcorp Genetics (formerly Invitae), Labcorp
Classification: Uncertain significance for Charcot-Marie-Tooth disease axonal type 2O. Last evaluated: 2018-09-24. Review status: criteria provided, single submitter. Criteria: Invitae Variant Classification Sherloc (09022015). Collection method: clinical testing. Allele origin: germline.
Comment: This sequence change replaces proline with glutamine at codon 1802 of the DYNC1H1 protein (p.Pro1802Gln). The proline residue is highly conserved and there is a moderate physicochemical difference between proline and glutamine. This variant is not present in population databases (ExAC no frequency). This variant has not been reported in the literature in individuals with DYNC1H1-related disease. Algorithms developed to predict the effect of missense changes on protein structure and function are either unavailable or do not agree on the potential impact of this missense change (SIFT: "Deleterious"; PolyPhen-2: "Benign"; Align-GVGD: "Class C0"). In summary, the available evidence is currently insufficient to determine the role of this variant in disease. Therefore, it has been classified as a Variant of Uncertain Significance.

NM_001376.5(DYNC1H1):c.5405C>A (p.Pro1802Gln)

Gene: DYNC1H1 (dynein cytoplasmic 1 heavy chain 1; plus strand). Cytogenetic location: 14q32.31.
Variant type: single nucleotide variant.
Coding change: c.5405C>A on transcript NM_001376.5 (MANE Select); coding-DNA position 5405, C replaced by A.
Protein change: p.Pro1802Gln; replaces proline 1802 with glutamine.
Molecular consequence: missense variant.
Genome position (GRCh38, 1-based): chr14:102,005,208, C>A. VCF-style: chr14-102005208-C-A. GRCh37 (hg19) VCF-style: chr14-102471545-C-A.
Other names: short protein forms P1802Q.
Identifiers: ClinVar variation 645488 (VCV000645488.8), dbSNP rs1346194464, ClinGen allele CA391046945.